The following is an entry in ClinVar:

NM_002599.5(PDE2A):c.1083_1085dup (p.Glu361dup)

Genes: PDE2A (phosphodiesterase 2A; minus strand), PDE2A-AS2 (PDE2A antisense RNA 2; plus strand). Cytogenetic location: 11q13.4.
Variant type: Duplication.
Coding change: c.1083_1085dup on transcript NM_002599.5 (MANE Select); coding-DNA positions 1083 to 1085, 3 bases duplicated (GGA; older notation c.1083_1085dupGGA).
Protein change: p.Glu361dup; duplicates glutamic acid 361.
Molecular consequence: inframe insertion.
Genome position (GRCh38, 1-based): chr11:72,586,167-72,586,169, TCC duplicated on the plus strand (GGA on the coding strand, the reverse complement: PDE2A is on the minus strand); duplicating any 3 consecutive bases within chr11:72,586,167-72,586,171 gives the same sequence; the c. name uses the placement nearest the transcript's 3' end. VCF-style (leftmost placement, unchanged base first): chr11-72586166-G-GTCC. GRCh37 (hg19) VCF-style: chr11-72297210-G-GTCC.
Other names: c.1085_1086insGGA (NM_002599.5); c.1062_1064dup, p.Glu354dup (NM_001143839.4); c.1056_1058dup, p.Glu352dup (NM_001146209.3); c.1020_1022dup, p.Glu340dup (NM_001243784.2).
Identifiers: ClinVar variation 1690494 (VCV001690494.2), dbSNP rs2135291663, ClinGen allele CA2573147704.
Genomic context (GRCh38, chr11:72,586,166, plus strand): 5'-GGCCAGGGTGCTGGTGAGCACGGTGCTGGTGTAGTGGAAGCAGTGCTGGATCACATGCTC[G>GTCC]TCCTCGTCGGTGAACCTGGAGGAGGGGGTGGGCTCACTCAGGAGGGAAGGGAAGACTGGC-3'

ClinVar aggregate classification (germline): Uncertain significance (1 of 4 stars; one submission).

Submission:

Laboratorio de Genetica e Diagnostico Molecular, Hospital Israelita Albert Einstein
Classification: Uncertain significance. Last evaluated: 2021-11-17. Review status: criteria provided, single submitter. Criteria: ACMG Guidelines, 2015. Collection method: clinical testing. Allele origin: germline. Affected: yes.
Comment: ACMG classification criteria: PM2